The following is an entry in ClinVar:

NM_001204.7(BMPR2):c.2111C>G (p.Ser704Cys)

Gene: BMPR2 (bone morphogenetic protein receptor type 2; plus strand). Cytogenetic location: 2q33.2.
Variant type: single nucleotide variant.
Coding change: c.2111C>G on transcript NM_001204.7 (MANE Select); coding-DNA position 2111, C replaced by G.
Protein change: p.Ser704Cys; replaces serine 704 with cysteine.
Molecular consequence: missense variant.
Genome position (GRCh38, 1-based): chr2:202,555,776, C>G. VCF-style: chr2-202555776-C-G. GRCh37 (hg19) VCF-style: chr2-203420499-C-G.
Other names: short protein forms S704C.
Identifiers: ClinVar variation 3585298 (VCV003585298.2).

ClinVar aggregate classification (germline): Uncertain significance. Review status: criteria provided, multiple submitters, no conflicts (2 of 4 stars). 2 submissions from 2 submitters: Uncertain significance (2). Last evaluated 2026-08-09.

Conditions:
Pulmonary hypertension, primary, 1 (PPH1). Also called: Pulmonary hypertension, familial primary, 1, with or without HHT. Identifiers: Orphanet 422, MedGen C4552070, MONDO:0024533, OMIM 178600.
Pulmonary venoocclusive disease 1 (PVOD1). Also called: Pulmonary venoocclusive disease 1, autosomal dominant. Identifiers: Orphanet 31837, MedGen C3887658, MONDO:0020713, OMIM 265450.
Inborn genetic diseases. Identifiers: MedGen C0950123, MeSH D030342.

Submissions (2):

Ambry Genetics
Classification: Uncertain significance for Inborn genetic diseases. Last evaluated: 2026-08-09. Review status: criteria provided, single submitter. Criteria: Ambry Variant Classification Scheme 2023. Collection method: clinical testing. Allele origin: germline.
Comment: The p.S704C variant (also known as c.2111C>G), located in coding exon 12 of the BMPR2 gene, results from a C to G substitution at nucleotide position 2111. The serine at codon 704 is replaced by cysteine, an amino acid with dissimilar properties. This amino acid position is conserved. In addition, the in silico prediction for this alteration is inconclusive. Based on the available evidence, the clinical significance of this variant remains unclear.

Fulgent Genetics
Classification: Uncertain significance for Pulmonary hypertension, primary, 1; Pulmonary venoocclusive disease 1. Last evaluated: 2024-06-07. Review status: criteria provided, single submitter. Criteria: ACMG Guidelines, 2015. Collection method: clinical testing. Allele origin: germline.